The following is an entry in ClinVar:

ClinVar aggregate classification (germline): Uncertain significance (1 of 4 stars; one submission).

Conditions:
Syndromic X-linked intellectual disability Najm type (MICPCH). Also called: MICPCH SYNDROME; Intellectual developmental disorder and microcephaly with pontine and cerebellar hypoplasia; Mental retardation and microcephaly with pontine and cerebellar hypoplasia; Intellectual Disability and Microcephaly with Pontine and Cerebellar Hypoplasia; MENTAL RETARDATION, X-LINKED, SYNDROMIC, NAJM TYPE; Intellectual Disability and Microcephaly with Pontine and Cerebellar Hypoplasia (MICPCH). Identifiers: Orphanet 163937, MedGen C2677903, MONDO:0010417, OMIM 300749.

Submission:

3billion
Classification: Uncertain significance for Syndromic X-linked intellectual disability Najm type. Last evaluated: 2022-01-03. Review status: criteria provided, single submitter. Criteria: ACMG Guidelines, 2015. Collection method: clinical testing. Allele origin: germline. Affected: yes. Observed: 1 heterozygote.
Comment: The variant not observed in the gnomAD v2.1.1 dataset (PM2_M). In silico tool predictions suggest damaging effect of the variant on gene or gene product (3CNET: 0.924, PP3_P). Therefore, this variant is classified as uncertain significance according to the recommendation of ACMG/AMP guideline.

NM_001367721.1(CASK):c.2530G>T (p.Val844Phe)

Gene: CASK (calcium/calmodulin dependent serine protein kinase; minus strand). Cytogenetic location: Xp11.4.
Variant type: single nucleotide variant.
Coding change: c.2530G>T on transcript NM_001367721.1 (MANE Select); coding-DNA position 2530, G replaced by T.
Protein change: p.Val844Phe; replaces valine 844 with phenylalanine.
Molecular consequence: missense variant.
Genome position (GRCh38, 1-based): chrX:41,524,025, C>A on the plus strand (G>T on the coding strand, the complement: CASK is on the minus strand). VCF-style: chrX-41524025-C-A. GRCh37 (hg19) VCF-style: chrX-41383278-C-A.
Other names: c.2446G>T, p.Val816Phe (NM_001126054.3); c.2443G>T, p.Val815Phe (NM_001126055.3); c.2512G>T, p.Val838Phe (NM_001410745.1); c.2515G>T, p.Val839Phe (NM_003688.4); short protein forms V815F, V816F, V839F, V844F, V838F.
Identifiers: ClinVar variation 1333438 (VCV001333438.1), dbSNP rs2147067804, ClinGen allele CA412989274.
Genomic context (GRCh38, chrX:41,524,025, plus strand): 5'-GAGTAATAGTTGGTGCAGCAATGAAAACAACAAAAGGAGCAAACTCTGCAGTTCTCAGGA[C>A]CTTCAGTGCCTGTGTTAAGAAAAAAAAAAAAAATCCCGACTTAAAAGAAGAAATAACTAA-3'
Protein context (NP_001354650.1, residues 834-854): ILDVEPQALK[Val844Phe]LRTAEFAPFV